The following is an entry in ClinVar:

ClinVar aggregate classification (germline): Pathogenic (1 of 4 stars; one submission).

Conditions:
Episodic ataxia type 2 (EA2). Also called: ATAXIA, EPISODIC, WITH NYSTAGMUS; ATAXIA, FAMILIAL PAROXYSMAL; ACETAZOLAMIDE-RESPONSIVE HEREDITARY PAROXYSMAL CEREBELLAR ATAXIA; CEREBELLAR ATAXIA, PAROXYSMAL, ACETAZOLAMIDE-RESPONSIVE; CEREBELLOPATHY, HEREDITARY PAROXYSMAL; EPISODIC ATAXIA, NYSTAGMUS-ASSOCIATED. Identifiers: Orphanet 97, MedGen C1720416, MONDO:0007163, OMIM 108500.
Developmental and epileptic encephalopathy, 42 (DEE42A). Also called: Epileptic encephalopathy, early infantile, 42; DEVELOPMENTAL AND EPILEPTIC ENCEPHALOPATHY 42A; EPILEPTIC ENCEPHALOPATHY, EARLY INFANTILE, 42A. Identifiers: MedGen C4310716, MONDO:0014917, OMIM 617106.

Submission:

Labcorp Genetics (formerly Invitae), Labcorp
Classification: Pathogenic for Developmental and epileptic encephalopathy, 42; Episodic ataxia type 2. Last evaluated: 2024-07-25. Review status: criteria provided, single submitter. Criteria: Invitae Variant Classification Sherloc (09022015). Collection method: clinical testing. Allele origin: germline.
Comment: This sequence change replaces isoleucine, which is neutral and non-polar, with asparagine, which is neutral and polar, at codon 615 of the CACNA1A protein (p.Ile615Asn). This variant is not present in population databases (gnomAD no frequency). This missense change has been observed in individual(s) with clinical features of developmental and epileptic encephalopathy (Invitae). In at least one individual the variant was observed to be de novo. Advanced modeling of protein sequence and biophysical properties (such as structural, functional, and spatial information, amino acid conservation, physicochemical variation, residue mobility, and thermodynamic stability) performed at Invitae indicates that this missense variant is expected to disrupt CACNA1A protein function with a positive predictive value of 95%. For these reasons, this variant has been classified as Pathogenic.

NM_001127222.2(CACNA1A):c.1841T>A (p.Ile614Asn)

Gene: CACNA1A (calcium voltage-gated channel subunit alpha1 A; minus strand). Cytogenetic location: 19p13.13.
Variant type: single nucleotide variant.
Coding change: c.1841T>A on transcript NM_001127222.2 (MANE Select); coding-DNA position 1841, T replaced by A.
Protein change: p.Ile614Asn; replaces isoleucine 614 with asparagine.
Molecular consequence: missense variant.
Genome position (GRCh38, 1-based): chr19:13,308,192, A>T on the plus strand (T>A on the coding strand, the complement: CACNA1A is on the minus strand). VCF-style: chr19-13308192-A-T. GRCh37 (hg19) VCF-style: chr19-13419006-A-T.
Other names: c.1844T>A, p.Ile615Asn (NM_000068.4, NM_001127221.2, NM_001174080.2 and 1 more transcripts); short protein forms I614N, I615N.
Identifiers: ClinVar variation 3754166 (VCV003754166.2).
Genomic context (GRCh38, chr19:13,308,192, plus strand): 5'-AGTTGCATTCCCAAAAGGGCGAAGACGACAATGAACAGGAAAAGGAGAAACAACAGGCTG[A>T]TGATGGACTTCATGGAGTTGAGGAGAGAGACGACCAGGTTTCTGAGAGATGCCCAGTACC-3'
Protein context (NP_001120694.1, residues 604-624): VSLLNSMKSI[Ile614Asn]SLLFLLFLFI